The following is an entry in ClinVar:

ClinVar aggregate classification (germline): Uncertain significance. Review status: criteria provided, multiple submitters, no conflicts (2 of 4 stars). 2 submissions from 2 submitters: Uncertain significance (2). Last evaluated 2024-02-09.

Conditions:
Wilson disease (WND). Also called: Wilson's disease. Identifiers: Orphanet 905, MedGen C0019202, MONDO:0010200, OMIM 277900. Disease mechanism: loss of function.

Allele frequency attached by ClinVar (database versions not stated): TOPMed below 0.00001.
gnomAD v4.1: 1 of 1,614,190 alleles (0.000062%); highest among the groups gnomAD compares: Admixed American, 0.0017%; no homozygotes.

Submissions (2):

Fulgent Genetics
Classification: Uncertain significance for Wilson disease. Last evaluated: 2024-02-09. Review status: criteria provided, single submitter. Criteria: ACMG Guidelines, 2015. Collection method: clinical testing. Allele origin: germline.

Mayo Clinic Laboratories, Mayo Clinic
Classification: Uncertain significance. Last evaluated: 2023-01-17. Review status: criteria provided, single submitter. Criteria: ACMG Guidelines, 2015. Collection method: clinical testing. Allele origin: germline. Observed: 1 variant allele.
Comment: BP4, PM2

NM_000053.4(ATP7B):c.1654G>C (p.Glu552Gln)

Gene: ATP7B (ATPase copper transporting beta; minus strand). Cytogenetic location: 13q14.3.
Variant type: single nucleotide variant.
Coding change: c.1654G>C on transcript NM_000053.4 (MANE Select); coding-DNA position 1654, G replaced by C.
Protein change: p.Glu552Gln; replaces glutamic acid 552 with glutamine.
Molecular consequence: missense variant. On other transcripts: intron variant (1).
Genome position (GRCh38, 1-based): chr13:51,968,497, C>G on the plus strand (G>C on the coding strand, the complement: ATP7B is on the minus strand). VCF-style: chr13-51968497-C-G. GRCh37 (hg19) VCF-style: chr13-52542633-C-G.
Other names: p.Glu552Gln; c.1654G>C, p.Glu552Gln (NM_001005918.3, NM_001330578.2, NM_001330579.2 and 26 more transcripts); c.1321G>C, p.Glu441Gln (NM_001243182.2); c.1621G>C, p.Glu541Gln (NM_001406514.1, NM_001406524.1); c.1558G>C, p.Glu520Gln (NM_001406517.1, NM_001406518.1, NM_001406530.1 and 3 more transcripts); c.1285+5438G>C (NM_001406548.1); c.1225G>C, p.Glu409Gln (NM_001406539.1); short protein forms E409Q, E441Q, E520Q, E541Q, E552Q.
Identifiers: ClinVar variation 2683235 (VCV002683235.2), dbSNP rs1951680524, ClinGen allele CA388032836.